The following is an entry in ClinVar:

ClinVar aggregate classification (germline): Likely pathogenic (1 of 4 stars; one submission).

Submission:

Mayo Clinic Laboratories, Mayo Clinic
Classification: Likely pathogenic. Last evaluated: 2023-10-12. Review status: criteria provided, single submitter. Criteria: ACMG Guidelines, 2015. Collection method: clinical testing. Allele origin: germline. Observed: 1 variant allele.
Comment: PP4, PM1, PM2_moderate, PM4

NM_000435.3(NOTCH3):c.1720_1755delinsCTG (p.Tyr574_Glu585delinsLeu)

Gene: NOTCH3 (notch receptor 3; minus strand). Cytogenetic location: 19p13.12.
Variant type: Indel.
Coding change: c.1720_1755delinsCTG on transcript NM_000435.3 (MANE Select); coding-DNA positions 1720 to 1755, the reference bases replaced by CTG.
Protein change: p.Tyr574_Glu585delinsLeu.
Molecular consequence: inframe indel.
Genome position (GRCh38, 1-based): chr19:15,187,190-15,187,225, 36 bases replaced. GRCh37 (hg19): chr19:15,298,001-15,298,036.
Other names: p.Tyr574_Glu585delinsLeu.
Identifiers: ClinVar variation 3380913 (VCV003380913.1).
Genomic context (GRCh38, chr19:15,187,190, plus strand): 5'-GAGGTACTTGTCCACCAGGTCTAGGCATTTGCCGCCATGGCGGCAGGGCTGGCTGCGGCA[TTCGTCCACCTGGCTCTCGCAGCGTGTGCCCGTGTA>CAG]GCCAGGAGCACAGGCACATGAGAAGCTGGCGATGCCATCCACGCAGCGACCATGGTGGCA-3'